The following is an entry in ClinVar:

ClinVar aggregate classification (germline): Uncertain significance. Review status: criteria provided, multiple submitters, no conflicts (2 of 4 stars). 2 submissions from 2 submitters: Uncertain significance (2). Last evaluated 2024-01-09.

Allele frequency attached by ClinVar (database versions not stated): gnomAD exomes 0.00001; gnomAD 0.00003; TOPMed 0.00011.
gnomAD v4.1: 10 of 1,565,748 alleles (0.00064%); highest among the groups gnomAD compares: Admixed American, 0.015%; no homozygotes.

Submissions (2):

Ambry Genetics
Classification: Uncertain significance. Last evaluated: 2024-01-09. Review status: criteria provided, single submitter. Criteria: Ambry Variant Classification Scheme 2023. Collection method: clinical testing. Allele origin: germline.

Labcorp Genetics (formerly Invitae), Labcorp
Classification: Uncertain significance. Last evaluated: 2023-10-27. Review status: criteria provided, single submitter. Criteria: Invitae Variant Classification Sherloc (09022015). Collection method: clinical testing. Allele origin: germline.
Comment: This sequence change replaces leucine, which is neutral and non-polar, with valine, which is neutral and non-polar, at codon 4 of the TFAM protein (p.Leu4Val). This variant is not present in population databases (gnomAD no frequency). This variant has not been reported in the literature in individuals affected with TFAM-related conditions. An algorithm developed to predict the effect of missense changes on protein structure and function (PolyPhen-2) suggests that this variant is likely to be tolerated. In summary, the available evidence is currently insufficient to determine the role of this variant in disease. Therefore, it has been classified as a Variant of Uncertain Significance.

NM_003201.3(TFAM):c.10C>G (p.Leu4Val)

Gene: TFAM (transcription factor A, mitochondrial; plus strand). Cytogenetic location: 10q21.1.
Variant type: single nucleotide variant.
Coding change: c.10C>G on transcript NM_003201.3 (MANE Select); coding-DNA position 10, C replaced by G.
Protein change: p.Leu4Val; replaces leucine 4 with valine.
Molecular consequence: missense variant. On other transcripts: non-coding transcript variant (1).
Genome position (GRCh38, 1-based): chr10:58,385,557, C>G. VCF-style: chr10-58385557-C-G. GRCh37 (hg19) VCF-style: chr10-60145317-C-G.
Other names: c.10C>G, p.Leu4Val (NM_001270782.2); c.10C>G (NM_003201.1); short protein forms L4V.
Identifiers: ClinVar variation 2888979 (VCV002888979.4), dbSNP rs1448492458, ClinGen allele CA377057677.